The following is an entry in ClinVar:

ClinVar aggregate classification (germline): Likely benign (1 of 4 stars; one submission).

Conditions:
ACACB-related disorder. Also called: ACACB-related condition.

Submission:

PreventionGenetics, part of Exact Sciences
Classification: Likely benign for ACACB-related condition. Last evaluated: 2025-07-15. Review status: criteria provided, single submitter. Criteria: ACMG Guidelines, 2015. Collection method: clinical testing. Allele origin: germline.
Comment: This variant is classified as likely benign based on ACMG/AMP sequence variant interpretation guidelines (Richards et al. 2015 PMID: 25741868, with internal and published modifications).

NM_001093.4(ACACB):c.3951C>T (p.Gly1317=)

Gene: ACACB (acetyl-CoA carboxylase beta; plus strand). Cytogenetic location: 12q24.11.
Variant type: single nucleotide variant.
Coding change: c.3951C>T on transcript NM_001093.4 (MANE Select); coding-DNA position 3951, C replaced by T.
Protein change: p.Gly1317=; no amino-acid change (glycine 1317 retained).
Molecular consequence: synonymous variant.
Genome position (GRCh38, 1-based): chr12:109,227,439, C>T. VCF-style: chr12-109227439-C-T. GRCh37 (hg19) VCF-style: chr12-109665244-C-T.
Other names: c.3951C>T, p.Gly1317= (NM_001412734.1, NM_001412735.1); c.3345C>T, p.Gly1115= (NM_001412736.1, NM_001412739.1); c.3324C>T, p.Gly1108= (NM_001412737.1); c.3156C>T, p.Gly1052= (NM_001412738.1).
Identifiers: ClinVar variation 4990363 (VCV004990363.1).
Genomic context (GRCh38, chr12:109,227,439, plus strand): 5'-GCGGAGGGGCTACATCGCCTATGAGTTAAACAGCCTGCAGCACCGGCAGCTCCCGGACGG[C>T]ACCTGCGTGGTAGAATTCCAGTTCATGCTGCCGTCCTCCCACCCAAACCGGTATGGAGTG-3'
Protein context (NP_001084.3, residues 1307-1327): NSLQHRQLPD[Gly1317=]TCVVEFQFML